The following is an entry in ClinVar:

ClinVar aggregate classification (germline): Likely benign (1 of 4 stars; one submission).

Submissions (2):

CeGaT Center for Human Genetics Tuebingen
Classification: Likely benign. Last evaluated: 2025-02-01. Review status: criteria provided, single submitter. Criteria: CeGaT Center For Human Genetics Tuebingen Variant Classification Criteria Version 2. Collection method: clinical testing. Allele origin: germline. Affected: yes. Observed: 1 variant allele.
Comment: DUOX1: BP4, BS2

Dr. Peter K. Rogan Lab, Western University
No classification provided (evidence only). Condition: Gastric cancer. Review status: no classification provided. Collection method: in vitro. Allele origin: not applicable. Functional consequence: retained intron. Not counted in ClinVar's aggregate classification.

NM_175940.3(DUOX1):c.1018A>G (p.Met340Val)

Gene: DUOX1 (dual oxidase 1; plus strand). Cytogenetic location: 15q21.1.
Variant type: single nucleotide variant.
Coding change: c.1018A>G on transcript NM_175940.3 (MANE Select); coding-DNA position 1018, A replaced by G.
Protein change: p.Met340Val; replaces methionine 340 with valine.
Molecular consequence: missense variant.
Genome position (GRCh38, 1-based): chr15:45,136,621, A>G. VCF-style: chr15-45136621-A-G. GRCh37 (hg19) VCF-style: chr15-45428819-A-G.
Other names: NC_000015.9:g.45428819A>G; c.1018A>G, p.Met340Val (NM_017434.5); short protein forms M340V.
Identifiers: ClinVar variation 3771072 (VCV003771072.14).